The following is an entry in ClinVar:

NM_198525.3(KIF7):c.490C>T (p.Arg164Cys)

Gene: KIF7 (kinesin family member 7; minus strand). Cytogenetic location: 15q26.1.
Variant type: single nucleotide variant.
Coding change: c.490C>T on transcript NM_198525.3 (MANE Select); coding-DNA position 490, C replaced by T.
Protein change: p.Arg164Cys; replaces arginine 164 with cysteine.
Molecular consequence: missense variant.
Genome position (GRCh38, 1-based): chr15:89,649,780, G>A on the plus strand (C>T on the coding strand, the complement: KIF7 is on the minus strand). VCF-style: chr15-89649780-G-A. GRCh37 (hg19) VCF-style: chr15-90193011-G-A.
Other names: c.490C>T (NM_198525.2); short protein forms R164C.
Identifiers: ClinVar variation 2179961 (VCV002179961.3), dbSNP rs755280435, ClinGen allele CA7728631.

ClinVar aggregate classification (germline): Uncertain significance. Review status: criteria provided, multiple submitters, no conflicts (2 of 4 stars). 2 submissions from 2 submitters: Uncertain significance (2). Last evaluated 2024-06-04.

Conditions:
Inborn genetic diseases. Identifiers: MedGen C0950123, MeSH D030342.
Acrocallosal syndrome (ACLS). Also called: HALLUX DUPLICATION, POSTAXIAL POLYDACTYLY, AND ABSENCE OF CORPUS CALLOSUM; Schinzel syndrome 1; Absence of corpus callosum with unusual facial appearance, mental deficiency, duplication of the halluces and polydactyly. Identifiers: Orphanet 36, MedGen C0796147, MONDO:0008708, OMIM 200990.

Allele frequency attached by ClinVar (database versions not stated): gnomAD 0.00001; TOPMed 0.00001; ExAC 0.00018.
gnomAD v4.1: 55 of 1,551,736 alleles (0.0035%); highest among the groups gnomAD compares: South Asian, 0.05%; no homozygotes.

Submissions (2):

Ambry Genetics
Classification: Uncertain significance for Inborn genetic diseases. Last evaluated: 2024-06-04. Review status: criteria provided, single submitter. Criteria: Ambry Variant Classification Scheme 2023. Collection method: clinical testing. Allele origin: germline.

Labcorp Genetics (formerly Invitae), Labcorp
Classification: Uncertain significance for Acrocallosal syndrome. Last evaluated: 2024-04-20. Review status: criteria provided, single submitter. Criteria: Invitae Variant Classification Sherloc (09022015). Collection method: clinical testing. Allele origin: germline.
Comment: This sequence change replaces arginine, which is basic and polar, with cysteine, which is neutral and slightly polar, at codon 164 of the KIF7 protein (p.Arg164Cys). This variant is present in population databases (rs755280435, gnomAD 0.05%). This variant has not been reported in the literature in individuals affected with KIF7-related conditions. ClinVar contains an entry for this variant (Variation ID: 2179961). Advanced modeling of protein sequence and biophysical properties (such as structural, functional, and spatial information, amino acid conservation, physicochemical variation, residue mobility, and thermodynamic stability) performed at Invitae indicates that this missense variant is not expected to disrupt KIF7 protein function with a negative predictive value of 80%. In summary, the available evidence is currently insufficient to determine the role of this variant in disease. Therefore, it has been classified as a Variant of Uncertain Significance.